The following is an entry in ClinVar:

NM_024809.5(TCTN2):c.891+6C>T

Gene: TCTN2 (tectonic family member 2; plus strand). Cytogenetic location: 12q24.31.
Variant type: single nucleotide variant.
Coding change: c.891+6C>T on transcript NM_024809.5 (MANE Select); 6 bases into the intron after coding-DNA position 891, C replaced by T.
Molecular consequence: intron variant.
Genome position (GRCh38, 1-based): chr12:123,688,183, C>T. VCF-style: chr12-123688183-C-T. GRCh37 (hg19) VCF-style: chr12-124172730-C-T.
Other names: c.888+6C>T (NM_001143850.3).
Identifiers: ClinVar variation 2173428 (VCV002173428.6), dbSNP rs766692860, ClinGen allele CA245162144.

ClinVar aggregate classification (germline): Conflicting classifications of pathogenicity. Review status: criteria provided, conflicting classifications (1 of 4 stars). 3 submissions from 3 submitters: Uncertain significance (2); Likely benign (1). Last evaluated 2024-05-06.

Conditions:
Joubert syndrome 24 (JBTS24). Identifiers: Orphanet 475, MedGen C4084841, MONDO:0014724, OMIM 616654.
Meckel syndrome, type 8. Identifiers: Orphanet 564, MedGen C3836857, MONDO:0013482, OMIM 613885.
Joubert syndrome. Also called: Familial aplasia of the vermis; JOUBERT-BOLTSHAUSER SYNDROME. Identifiers: Orphanet 475, MedGen C5979921, MONDO:0018772.
Meckel-Gruber syndrome. Also called: Dysencephalia splachnocystica; DYSENCEPHALIA SPLANCHNOCYSTICA; GRUBER SYNDROME. Identifiers: Orphanet 564, MedGen C0265215, MONDO:0018921.

gnomAD v4.1: 29 of 1,592,924 alleles (0.0018%); highest among the groups gnomAD compares: East Asian, 0.0023%; no homozygotes.

Submissions (3):

Fulgent Genetics
Classification: Uncertain significance for Meckel syndrome, type 8; Joubert syndrome 24. Last evaluated: 2024-05-06. Review status: criteria provided, single submitter. Criteria: ACMG Guidelines, 2015. Collection method: clinical testing. Allele origin: germline.

Blueprint Genetics
Classification: Likely benign. Last evaluated: 2024-04-17. Review status: criteria provided, single submitter. Criteria: ACMG Guidelines, 2015. Collection method: clinical testing. Allele origin: germline.

Labcorp Genetics (formerly Invitae), Labcorp
Classification: Uncertain significance for Joubert syndrome; Meckel-Gruber syndrome. Last evaluated: 2022-10-17. Review status: criteria provided, single submitter. Criteria: Invitae Variant Classification Sherloc (09022015). Collection method: clinical testing. Allele origin: germline.
Comment: This variant is present in population databases (no rsID available, gnomAD 0.01%). In summary, the available evidence is currently insufficient to determine the role of this variant in disease. Therefore, it has been classified as a Variant of Uncertain Significance. Variants that disrupt the consensus splice site are a relatively common cause of aberrant splicing (PMID: 17576681, 9536098). Algorithms developed to predict the effect of sequence changes on RNA splicing suggest that this variant is not likely to affect RNA splicing. This variant has not been reported in the literature in individuals affected with TCTN2-related conditions. This sequence change falls in intron 7 of the TCTN2 gene. It does not directly change the encoded amino acid sequence of the TCTN2 protein. It affects a nucleotide within the consensus splice site.

Literature cited by the submitters: PubMed 17576681 (cited by Labcorp Genetics (formerly Invitae), Labcorp); PubMed 9536098 (cited by Labcorp Genetics (formerly Invitae), Labcorp).